The following is an entry in ClinVar:

ClinVar aggregate classification (germline): Likely pathogenic (1 of 4 stars; one submission).

Conditions:
Goldberg-Shprintzen syndrome. Identifiers: Orphanet 66629, MedGen C1836123, MONDO:0012280, OMIM 609460.

Submission:

Juno Genomics, Hangzhou Juno Genomics, Inc
Classification: Likely pathogenic for Goldberg-Shprintzen syndrome. Review status: criteria provided, single submitter. Criteria: ACMG Guidelines, 2015. Collection method: clinical testing. Allele origin: germline. Affected: yes.
Comment: Absent from controls (or at extremely low frequency if recessive) in Genome Aggregation Database, Exome Sequencing Project, 1000 Genomes Project, or Exome Aggregation Consortium.;Null variant in a gene where loss of function (LOF) is a known mechanism of disease.

NM_015634.4(KIFBP):c.616del (p.Val206fs)

Gene: KIFBP (kinesin family binding protein; plus strand). Cytogenetic location: 10q22.1.
Variant type: Deletion.
Coding change: c.616del on transcript NM_015634.4 (MANE Select); coding-DNA position 616, one base deleted (G; older notation c.616delG).
Protein change: p.Val206fs; shifts the reading frame from valine 206.
Molecular consequence: frameshift variant.
Genome position (GRCh38, 1-based): chr10:69,005,742, G deleted; the last of 2 consecutive G bases (chr10:69,005,741-69,005,742); deleting either gives the same sequence. VCF-style (leftmost placement, unchanged base first): chr10-69005740-AG-A. GRCh37 (hg19) VCF-style: chr10-70765496-AG-A.
Other names: short protein forms V206fs.
Identifiers: ClinVar variation 3381947 (VCV003381947.2).